The following is an entry in ClinVar:

NM_000642.3(AGL):c.1727T>G (p.Leu576Ter)

Gene: AGL (amylo-alpha-1,6-glucosidase and 4-alpha-glucanotransferase; plus strand). Cytogenetic location: 1p21.2.
Variant type: single nucleotide variant.
Coding change: c.1727T>G on transcript NM_000642.3 (MANE Select); coding-DNA position 1727, T replaced by G.
Protein change: p.Leu576Ter; replaces leucine 576 with a stop codon.
Molecular consequence: nonsense.
Genome position (GRCh38, 1-based): chr1:99,880,038, T>G. VCF-style: chr1-99880038-T-G. GRCh37 (hg19) VCF-style: chr1-100345594-T-G.
Other names: c.1727T>G, p.Leu576Ter (NM_000028.3, NM_000643.3, NM_000644.3 and 2 more transcripts); c.1679T>G, p.Leu560Ter (NM_000646.3); c.1526T>G, p.Leu509Ter (NM_001425327.1); c.1523T>G, p.Leu508Ter (NM_001425328.1, NM_001425329.1); c.1349T>G, p.Leu450Ter (NM_001425332.1); short protein forms L560*, L576*, L508*, L509*, L450*.
Identifiers: ClinVar variation 984158 (VCV000984158.6), dbSNP rs1651881949, ClinGen allele CA341315973.

ClinVar aggregate classification (germline): Pathogenic/Likely pathogenic. Review status: criteria provided, multiple submitters, no conflicts (2 of 4 stars). 2 submissions from 2 submitters: Pathogenic (1); Likely pathogenic (1). Last evaluated 2023-10-29.

Conditions:
Glycogen storage disease type III (GSD3). Also called: Cori disease; FORBES DISEASE. Identifiers: Orphanet 366, MedGen C0017922, MONDO:0009291, OMIM 232400.

Submissions (2):

Labcorp Genetics (formerly Invitae), Labcorp
Classification: Pathogenic for Glycogen storage disease type III. Last evaluated: 2023-10-29. Review status: criteria provided, single submitter. Criteria: Invitae Variant Classification Sherloc (09022015). Collection method: clinical testing. Allele origin: germline.
Comment: This sequence change creates a premature translational stop signal (p.Leu576*) in the AGL gene. It is expected to result in an absent or disrupted protein product. Loss-of-function variants in AGL are known to be pathogenic (PMID: 19299494). This variant is not present in population databases (gnomAD no frequency). This variant has not been reported in the literature in individuals affected with AGL-related conditions. ClinVar contains an entry for this variant (Variation ID: 984158). For these reasons, this variant has been classified as Pathogenic.

Myriad Genetics, Inc.
Classification: Likely pathogenic for Glycogen storage disease type III. Last evaluated: 2020-03-16. Review status: criteria provided, single submitter. Criteria: Myriad Women's Health Autosomal Recessive and X-Linked Classification Criteria (2019). Collection method: clinical testing. Allele origin: unknown.
Comment: NM_000642.2(AGL):c.1727T>G(L576*) is expected to be pathogenic in the context of glycogen storage disease type III. This variant is predicted to lead to an abnormal or absent protein product due to the creation of a premature termination codon in AGL, a gene where loss-of-function variants are known to be pathogenic. Please note: this variant was assessed in the context of healthy population screening.

Literature cited by the submitters: PubMed 19299494 (cited by Labcorp Genetics (formerly Invitae), Labcorp).